The following is an entry in ClinVar:

NM_001267550.2(TTN):c.6988_6989delinsTTGGGAGGACCAG (p.Lys2330fs)

Genes: TTN (titin; minus strand), LOC126806433 (BRD4-independent group 4 enhancer GRCh37_chr2:179638309-179639508; plus strand). Cytogenetic location: 2q31.2.
Variant type: Indel.
Coding change: c.6988_6989delinsTTGGGAGGACCAG on transcript NM_001267550.2 (MANE Select); coding-DNA positions 6988 to 6989, AA replaced by TTGGGAGGACCAG.
Protein change: p.Lys2330fs; shifts the reading frame from lysine 2330.
Molecular consequence: frameshift variant.
Genome position (GRCh38, 1-based): chr2:178,774,275-178,774,276, TT replaced by CTGGTCCTCCCAA on the plus strand (AA replaced by TTGGGAGGACCAG on the coding strand, the reverse complement: TTN is on the minus strand). VCF-style: chr2-178774275-TT-CTGGTCCTCCCAA. GRCh37 (hg19) VCF-style: chr2-179639002-TT-CTGGTCCTCCCAA.
Other names: c.6988_6989delinsTTGGGAGGACCAG, p.Lys2330fs (NM_001256850.1, NM_133378.4, NM_133379.5); c.6850_6851delinsTTGGGAGGACCAG, p.Lys2284fs (NM_003319.4, NM_133432.3, NM_133437.4); short protein forms K2284fs, K2330fs.
Identifiers: ClinVar variation 4531801 (VCV004531801.1).

ClinVar aggregate classification (germline): Likely pathogenic (1 of 4 stars; one submission).

Conditions:
Dilated cardiomyopathy 1G (CMD1G). Identifiers: Orphanet 154, MedGen C1858763, MONDO:0011400, OMIM 604145.

Submission:

Victorian Clinical Genetics Services, Murdoch Childrens Research Institute
Classification: Likely pathogenic for Dilated cardiomyopathy 1G. Last evaluated: 2025-05-14. Review status: criteria provided, single submitter. Criteria: ACMG Guidelines, 2015. Collection method: clinical testing. Allele origin: germline. Affected: yes.
Comment: This variant is classified as Likely pathogenic. Evidence in support of pathogenic classification: Variant is predicted to cause nonsense-mediated decay (NMD) and loss of protein (premature termination codon is located at least 54 nucleotides upstream of the final exon-exon junction); Variant is absent from gnomAD (v2, v3 and v4); Other NMD-predicted variants comparable to the one identified in this case have strong previous evidence for pathogenicity (ClinVar). Additional information: This variant is heterozygous; This gene is associated with both recessive and dominant disease (OMIM); This variant has no previous evidence of pathogenicity; No published segregation evidence has been identified for this variant; No published functional evidence has been identified for this variant; Variant is located in the annotated I-band and the exon has a PSI score of 100% (PMID: 25589632); Loss of function is a known mechanism of disease in this gene. In addition, dominant negative is also a suggested mechanism. (PMID: 25589632); The condition associated with this gene has incomplete penetrance. Variants in this gene that result in a premature termination codon (PTC) are known to have reduced penetrance in DCM (PMID: 25589632); Inheritance information for this variant is not currently available in this individual.

Literature cited by the submitters: PubMed 25589632.